The following is an entry in ClinVar:

NM_000465.4(BARD1):c.1582C>A (p.Leu528Met)

Gene: BARD1 (BRCA1 associated RING domain 1; minus strand). Cytogenetic location: 2q35.
Variant type: single nucleotide variant.
Coding change: c.1582C>A on transcript NM_000465.4 (MANE Select); coding-DNA position 1582, C replaced by A.
Protein change: p.Leu528Met; replaces leucine 528 with methionine.
Molecular consequence: missense variant. On other transcripts: non-coding transcript variant (3), intron variant (1).
Genome position (GRCh38, 1-based): chr2:214,752,542, G>T on the plus strand (C>A on the coding strand, the complement: BARD1 is on the minus strand). VCF-style: chr2-214752542-G-T. GRCh37 (hg19) VCF-style: chr2-215617266-G-T.
Other names: c.1525C>A, p.Leu509Met (NM_001282543.2); c.229C>A, p.Leu77Met (NM_001282545.2); c.172C>A, p.Leu58Met (NM_001282548.2); c.365-22034C>A (NM_001282549.2); short protein forms L509M, L528M, L58M, L77M.
Identifiers: ClinVar variation 922474 (VCV000922474.4), dbSNP rs1693508020, ClinGen allele CA350455024.

ClinVar aggregate classification (germline): Uncertain significance (1 of 4 stars; one submission).

Conditions:
Hereditary cancer-predisposing syndrome. Also called: Neoplastic Syndromes, Hereditary; Tumor predisposition; Hereditary Cancer Syndrome; Hereditary neoplastic syndrome. Identifiers: Orphanet 140162, MedGen C0027672, MeSH D009386, MONDO:0015356.

Allele frequency attached by ClinVar (database versions not stated): gnomAD exomes below 0.00001.
gnomAD v4.1: 1 of 1,613,060 alleles (0.000062%); highest among the groups gnomAD compares: African/African-American, 0.0013%; no homozygotes.

Submission:

Color Diagnostics, LLC DBA Color Health
Classification: Uncertain significance for Hereditary cancer-predisposing syndrome. Last evaluated: 2023-12-04. Review status: criteria provided, single submitter. Criteria: ACMG Guidelines, 2015. Collection method: clinical testing. Allele origin: germline.
Comment: This missense variant replaces leucine with methionine at codon 528 of the BARD1 protein. Computational prediction suggests that this variant may not impact protein structure and function (internally defined REVEL score threshold <= 0.5, PMID: 27666373). To our knowledge, functional studies have not been reported for this variant. This variant has not been reported in individuals affected with BARD1-related disorders in the literature. This variant has not been identified in the general population by the Genome Aggregation Database (gnomAD). The available evidence is insufficient to determine the role of this variant in disease conclusively. Therefore, this variant is classified as a Variant of Uncertain Significance.